The following is an entry in ClinVar:

ClinVar aggregate classification (germline): Benign/Likely benign. Review status: criteria provided, multiple submitters, no conflicts (2 of 4 stars). 4 submissions from 4 submitters: Benign (2); Likely benign (2). Last evaluated 2026-03-13.

Conditions:
EFTUD2-related disorder. Also called: EFTUD2-related condition.

Allele frequency attached by ClinVar (database versions not stated): gnomAD exomes 0.00003 and 0.00018; ExAC 0.00009; gnomAD 0.00021 and 0.00023; TOPMed 0.00032.
gnomAD v4.1: 85 of 1,583,026 alleles (0.0054%); highest among the groups gnomAD compares: Admixed American, 0.13%; 2 homozygotes.

Submissions (4):

PreventionGenetics, part of Exact Sciences
Classification: Likely benign for EFTUD2-related condition. Last evaluated: 2026-03-13. Review status: criteria provided, single submitter. Criteria: ACMG Guidelines, 2015. Collection method: clinical testing. Allele origin: germline.
Comment: This variant is classified as likely benign based on ACMG/AMP sequence variant interpretation guidelines (Richards et al. 2015 PMID: 25741868, with internal and published modifications).

Labcorp Genetics (formerly Invitae), Labcorp
Classification: Benign. Last evaluated: 2025-12-21. Review status: criteria provided, single submitter. Criteria: Invitae Variant Classification Sherloc (09022015). Collection method: clinical testing. Allele origin: germline.

Blueprint Genetics
Classification: Likely benign. Last evaluated: 2024-08-20. Review status: criteria provided, single submitter. Criteria: ACMG Guidelines, 2015. Collection method: clinical testing. Allele origin: germline.

GeneDx
Classification: Benign. Last evaluated: 2020-03-23. Review status: criteria provided, single submitter. Criteria: GeneDx Variant Classification Process June 2021. Collection method: clinical testing. Allele origin: germline. Affected: yes.

NM_004247.4(EFTUD2):c.1059-8C>G

Gene: EFTUD2 (elongation factor Tu GTP binding domain containing 2; minus strand). Cytogenetic location: 17q21.31.
Variant type: single nucleotide variant.
Coding change: c.1059-8C>G on transcript NM_004247.4 (MANE Select); 8 bases into the intron before coding-DNA position 1059, C replaced by G.
Molecular consequence: intron variant.
Genome position (GRCh38, 1-based): chr17:44,867,905, G>C on the plus strand (C>G on the coding strand, the complement: EFTUD2 is on the minus strand). VCF-style: chr17-44867905-G-C. GRCh37 (hg19) VCF-style: chr17-42945273-G-C.
Other names: c.954-8C>G (NM_001142605.2); c.1029-8C>G (NM_001258354.2); c.1059-8C>G (NM_001258353.2, NM_004247.3).
Identifiers: ClinVar variation 1271739 (VCV001271739.11), dbSNP rs763827916, ClinGen allele CA8607879.
Genomic context (GRCh38, chr17:44,867,905, plus strand): 5'-CCACGAAACTTCTCTGGGAGCTGCTAGTTGGGGCCTTTTTGGTGAACTTTCGCCTAAAAG[G>C]AAAAATAAGTTCTGAGTGACCCAGGGGAAAAGGCACTATCACTGATCCCAAGAGGCATTG-3'